The following is an entry in ClinVar:

ClinVar aggregate classification (germline): Uncertain significance (1 of 4 stars; one submission).

Submission:

Labcorp Genetics (formerly Invitae), Labcorp
Classification: Uncertain significance. Last evaluated: 2022-07-11. Review status: criteria provided, single submitter. Criteria: Invitae Variant Classification Sherloc (09022015). Collection method: clinical testing. Allele origin: germline.
Comment: In summary, the available evidence is currently insufficient to determine the role of this variant in disease. Therefore, it has been classified as a Variant of Uncertain Significance. Algorithms developed to predict the effect of missense changes on protein structure and function output the following: SIFT: "Tolerated"; PolyPhen-2: "Benign"; Align-GVGD: "Class C0". The serine amino acid residue is found in multiple mammalian species, which suggests that this missense change does not adversely affect protein function. This variant has not been reported in the literature in individuals affected with DHX32-related conditions. This variant is not present in population databases (gnomAD no frequency). This sequence change replaces asparagine, which is neutral and polar, with serine, which is neutral and polar, at codon 299 of the DHX32 protein (p.Asn299Ser).

NM_018180.3(DHX32):c.896A>G (p.Asn299Ser)

Gene: DHX32 (DEAH-box helicase 32 (putative); minus strand). Cytogenetic location: 10q26.2.
Variant type: single nucleotide variant.
Coding change: c.896A>G on transcript NM_018180.3 (MANE Select); coding-DNA position 896, A replaced by G.
Protein change: p.Asn299Ser; replaces asparagine 299 with serine.
Molecular consequence: missense variant.
Genome position (GRCh38, 1-based): chr10:125,854,157, T>C on the plus strand (A>G on the coding strand, the complement: DHX32 is on the minus strand). VCF-style: chr10-125854157-T-C. GRCh37 (hg19) VCF-style: chr10-127542726-T-C.
Other names: short protein forms N299S.
Identifiers: ClinVar variation 2016101 (VCV002016101.4), dbSNP rs2494423116, ClinGen allele CA378677126.